The following is an entry in ClinVar:

NM_001369.3(DNAH5):c.8015C>T (p.Thr2672Met)

Gene: DNAH5 (dynein axonemal heavy chain 5; minus strand). Cytogenetic location: 5p15.2.
Variant type: single nucleotide variant.
Coding change: c.8015C>T on transcript NM_001369.3 (MANE Select); coding-DNA position 8015, C replaced by T.
Protein change: p.Thr2672Met; replaces threonine 2672 with methionine.
Molecular consequence: missense variant.
Genome position (GRCh38, 1-based): chr5:13,793,724, G>A on the plus strand (C>T on the coding strand, the complement: DNAH5 is on the minus strand). VCF-style: chr5-13793724-G-A. GRCh37 (hg19) VCF-style: chr5-13793833-G-A.
Other names: short protein forms T2672M.
Identifiers: ClinVar variation 1517923 (VCV001517923.5), dbSNP rs1358728493, ClinGen allele CA359221678.

ClinVar aggregate classification (germline): Uncertain significance. Review status: criteria provided, multiple submitters, no conflicts (2 of 4 stars). 2 submissions from 2 submitters: Uncertain significance (2). Last evaluated 2026-03-18.

Conditions:
Primary ciliary dyskinesia. Also called: Ciliary dyskinesia. Identifiers: Orphanet 244, MedGen C0008780, MONDO:0016575, HP:0012265.
Primary ciliary dyskinesia 3. Identifiers: Orphanet 244, MedGen C1837618, MONDO:0012085, OMIM 608644.

Allele frequency attached by ClinVar (database versions not stated): gnomAD exomes below 0.00001.
gnomAD v4.1: 6 of 1,613,656 alleles (0.00037%); highest among the groups gnomAD compares: African/African-American, 0.0027%; no homozygotes.

Submissions (2):

Myriad Genetics, Inc.
Classification: Uncertain significance for Primary ciliary dyskinesia 3. Last evaluated: 2026-03-18. Review status: criteria provided, single submitter. Criteria: Myriad Autosomal Dominant, Autosomal Recessive and X-Linked Classification Criteria (2023). Collection method: clinical testing. Allele origin: unknown.
Comment: NM_001369.2(DNAH5):c.8015C>T(T2672M) is a missense variant classified as a variant of uncertain significance in the context of primary ciliary dyskinesia, DNAH5-related. T2672M has been observed in a case with relevant disease (PMID: 35753512). Relevant functional assessments of this variant are not available in the literature. T2672M has been observed in referenced population frequency databases. In summary, there is insufficient evidence to classify NM_001369.2(DNAH5):c.8015C>T(T2672M) as pathogenic or benign. Please note: this variant was assessed in the context of healthy population screening.

Labcorp Genetics (formerly Invitae), Labcorp
Classification: Uncertain significance for Primary ciliary dyskinesia. Last evaluated: 2025-06-16. Review status: criteria provided, single submitter. Criteria: Invitae Variant Classification Sherloc (09022015). Collection method: clinical testing. Allele origin: germline.
Comment: This sequence change replaces threonine, which is neutral and polar, with methionine, which is neutral and non-polar, at codon 2672 of the DNAH5 protein (p.Thr2672Met). This variant is present in population databases (no rsID available, gnomAD 0.0009%). This missense change has been observed in individual(s) with clinical features of primary ciliary dyskinesia (PMID: 35753512). ClinVar contains an entry for this variant (Variation ID: 1517923). Invitae Evidence Modeling of protein sequence and biophysical properties (such as structural, functional, and spatial information, amino acid conservation, physicochemical variation, residue mobility, and thermodynamic stability) has been performed for this missense variant. However, the output from this modeling did not meet the statistical confidence thresholds required to predict the impact of this variant on DNAH5 protein function. In summary, the available evidence is currently insufficient to determine the role of this variant in disease. Therefore, it has been classified as a Variant of Uncertain Significance.

Literature cited by the submitters: PubMed 35753512 (cited by Myriad Genetics, Inc. and Labcorp Genetics (formerly Invitae), Labcorp).